The following is an entry in ClinVar:

NC_000023.10:g.(?_28807461)_(28807562_?)dup

Gene: IL1RAPL1 (interleukin 1 receptor accessory protein like 1; plus strand). Cytogenetic location: Xp21.3.
Variant type: Duplication.
Identifiers: ClinVar variation 2425933 (VCV002425933.4).

ClinVar aggregate classification (germline): Uncertain significance (1 of 4 stars; one submission).

Submission:

Labcorp Genetics (formerly Invitae), Labcorp
Classification: Uncertain significance. Last evaluated: 2023-10-05. Review status: criteria provided, single submitter. Criteria: Invitae Variant Classification Sherloc (09022015). Collection method: clinical testing. Allele origin: germline.
Comment: This variant results in a copy number gain of the genomic region encompassing exon(s) 2 of the IL1RAPL1 gene. This region includes the initiator codon of the gene. This copy number gain extends beyond the assayed region for this gene and therefore may encompass additional genes. As the precise location of this event is unknown, it may be in tandem or it may be located elsewhere in the genome. This variant has not been reported in the literature in individuals affected with IL1RAPL1-related conditions. In summary, the available evidence is currently insufficient to determine the role of this variant in disease. Therefore, it has been classified as a Variant of Uncertain Significance.